The following is an entry in ClinVar:

ClinVar aggregate classification (germline): Pathogenic (1 of 4 stars; one submission).

Submission:

Labcorp Genetics (formerly Invitae), Labcorp
Classification: Pathogenic. Last evaluated: 2025-02-05. Review status: criteria provided, single submitter. Criteria: Invitae Variant Classification Sherloc (09022015). Collection method: clinical testing. Allele origin: germline.
Comment: This sequence change affects the initiator methionine of the MSL2 mRNA. The next in-frame methionine is located at codon 75. This variant is not present in population databases (gnomAD no frequency). Disruption of the initiator codon has been observed in individual(s) with clinical features of MSL2-related conditions (PMID: 38815585). This variant disrupts a region of the MSL2 protein in which other variant(s) (p.Pro25Ser) have been determined to be pathogenic (PMID: 34230636). This suggests that this is a clinically significant region of the protein, and that variants that disrupt it are likely to be disease-causing. For these reasons, this variant has been classified as Pathogenic.

Literature cited by the submitters: PubMed 38815585; PubMed 34230636.

NM_018133.4(MSL2):c.1A>G (p.Met1Val)

Gene: MSL2 (MSL complex subunit 2; minus strand). Cytogenetic location: 3q22.3.
Variant type: single nucleotide variant.
Coding change: c.1A>G on transcript NM_018133.4 (MANE Select); coding-DNA position 1, A replaced by G.
Protein change: p.Met1Val; changes the start codon (methionine 1).
Molecular consequence: missense variant, initiator codon variant.
Genome position (GRCh38, 1-based): chr3:136,195,113, T>C on the plus strand (A>G on the coding strand, the complement: MSL2 is on the minus strand). VCF-style: chr3-136195113-T-C. GRCh37 (hg19) VCF-style: chr3-135913955-T-C.
Other names: short protein forms M1V.
Identifiers: ClinVar variation 4712122 (VCV004712122.1).